The following is an entry in ClinVar:

ClinVar aggregate classification (germline): Uncertain significance. Review status: criteria provided, multiple submitters, no conflicts (2 of 4 stars). 4 submissions from 4 submitters: Uncertain significance (4). Last evaluated 2025-01-21.

Conditions:
Hereditary cancer-predisposing syndrome. Also called: Hereditary Cancer Syndrome; Tumor predisposition; Neoplastic Syndromes, Hereditary; Hereditary neoplastic syndrome. Identifiers: Orphanet 140162, MedGen C0027672, MeSH D009386, MONDO:0015356.
Ataxia-telangiectasia syndrome (AT). Also called: ATAXIA-TELANGIECTASIA, COMPLEMENTATION GROUP A; ATAXIA-TELANGIECTASIA, FRESNO VARIANT; Ataxia-telangiectasia; Ataxia-telangiectasia, complementation group E; Cerebello-oculocutaneous telangiectasia; Immunodeficiency with ataxia telangiectasia. Identifiers: Orphanet 100, MedGen C0004135, MONDO:0008840, OMIM 208900.

Allele frequency attached by ClinVar (database versions not stated): TOPMed below 0.00001; ExAC 0.00001; gnomAD exomes below 0.00001; gnomAD 0.00001.
gnomAD v4.1: 3 of 1,614,006 alleles (0.00019%); highest among the groups gnomAD compares: Non-Finnish European, 0.00025%; no homozygotes.

Submissions (4):

Color Diagnostics, LLC DBA Color Health
Classification: Uncertain significance for Hereditary cancer-predisposing syndrome. Last evaluated: 2025-01-21. Review status: criteria provided, single submitter. Criteria: ACMG Guidelines, 2015. Collection method: clinical testing. Allele origin: germline.
Comment: This missense variant replaces valine with alanine at codon 2906 of the ATM protein. Computational prediction suggests that this variant may have deleterious impact on protein structure and function. To our knowledge, functional studies have not been reported for this variant. In an international breast cancer case-control meta-analysis, this variant was detected in 5/60466 cases and 2/53461 unaffected controls (PMID: 33471991). This variant has been identified in 1/251454 chromosomes in the general population by the Genome Aggregation Database (gnomAD). The available evidence is insufficient to determine the role of this variant in disease conclusively. Therefore, this variant is classified as a Variant of Uncertain Significance.

Labcorp Genetics (formerly Invitae), Labcorp
Classification: Uncertain significance for Ataxia-telangiectasia syndrome. Last evaluated: 2025-01-11. Review status: criteria provided, single submitter. Criteria: Invitae Variant Classification Sherloc (09022015). Collection method: clinical testing. Allele origin: germline.
Comment: This sequence change replaces valine, which is neutral and non-polar, with alanine, which is neutral and non-polar, at codon 2906 of the ATM protein (p.Val2906Ala). This variant is present in population databases (rs730881328, gnomAD 0.0009%). This variant has not been reported in the literature in individuals affected with ATM-related conditions. ClinVar contains an entry for this variant (Variation ID: 181901). Invitae Evidence Modeling of protein sequence and biophysical properties (such as structural, functional, and spatial information, amino acid conservation, physicochemical variation, residue mobility, and thermodynamic stability) indicates that this missense variant is expected to disrupt ATM protein function with a positive predictive value of 95%. In summary, the available evidence is currently insufficient to determine the role of this variant in disease. Therefore, it has been classified as a Variant of Uncertain Significance.

Ambry Genetics
Classification: Uncertain significance for Hereditary cancer-predisposing syndrome. Last evaluated: 2024-07-09. Review status: criteria provided, single submitter. Criteria: Ambry Variant Classification Scheme 2023. Collection method: clinical testing. Allele origin: germline.
Comment: The p.V2906A variant (also known as c.8717T>C), located in coding exon 59 of the ATM gene, results from a T to C substitution at nucleotide position 8717. The valine at codon 2906 is replaced by alanine, an amino acid with similar properties. This amino acid position is highly conserved in available vertebrate species. In addition, this alteration is predicted to be deleterious by in silico analysis. Based on the available evidence, the clinical significance of this variant remains unclear.

GeneDx
Classification: Uncertain significance. Last evaluated: 2015-03-09. Review status: criteria provided, single submitter. Criteria: GeneDx Variant Classification (06012015). Collection method: clinical testing. Allele origin: germline. Affected: yes.
Comment: This variant is denoted ATM c.8717T>C at the cDNA level, p.Val2906Ala (V2906A) at the protein level, and results in the change of a Valine to an Alanine (GTT>GCT). This variant has not, to our knowledge, been published in the literature as pathogenic or benign. ATM Val2906Ala was not observed in approximately 6,500 individuals of European and African American ancestry in the NHLBI Exome Sequencing Project, indicating it is not a common benign variant in these populations. Since Valine and Alanine share similar properties, this is considered a conservative amino acid substitution. ATM Val2906Ala occurs at a position that is well conserved across species and is located in the PI3K/PI4K domain (UniProt). In silico analyses predict that this variant is probably damaging to protein structure and function. Based on currently available information, it is unclear whether ATM Val2906Ala is pathogenic or benign. We consider it to be a variant of uncertain significance.

Literature cited by the submitters: PubMed 33471991 (cited by Color Diagnostics, LLC DBA Color Health); PubMed 29684080 (cited by Ambry Genetics).

NM_000051.4(ATM):c.8717T>C (p.Val2906Ala)

Genes: ATM (ATM serine/threonine kinase; plus strand), C11orf65 (chromosome 11 open reading frame 65; minus strand). Cytogenetic location: 11q22.3.
Variant type: single nucleotide variant.
Coding change: c.8717T>C on transcript NM_000051.4 (MANE Select); coding-DNA position 8717, T replaced by C.
Protein change: p.Val2906Ala; replaces valine 2906 with alanine.
Molecular consequence: missense variant. On other transcripts: intron variant (2).
Genome position (GRCh38, 1-based): chr11:108,353,811, T>C. VCF-style: chr11-108353811-T-C. GRCh37 (hg19) VCF-style: chr11-108224538-T-C.
Other names: p.V2906A:GTT>GCT; c.8717T>C, p.Val2906Ala (NM_001351834.2); c.640+32109A>G (NM_001330368.2); c.695-18519A>G (NM_001351110.2); short protein forms V2906A.
Identifiers: ClinVar variation 181901 (VCV000181901.17), dbSNP rs730881328, ClinGen allele CA298087.